The following is an entry in ClinVar:

ClinVar aggregate classification (germline): Likely benign (1 of 4 stars; one submission).

Conditions:
Hypomaturation-hypoplastic amelogenesis imperfecta with taurodontism. Also called: Amelogenesis imperfecta, type IV. Identifiers: Orphanet 100034, Orphanet 88661, MedGen C1863012, MONDO:0007093, OMIM 104510. Disease mechanism: loss of function.

Allele frequency attached by ClinVar (database versions not stated): 1000 Genomes Project 0.00020; TOPMed 0.00022; gnomAD 0.00029; 1000 Genomes Project 30x 0.00031; ESP Exome Variant Server 0.00038; gnomAD exomes 0.00048; ExAC 0.00062.

Submission:

Illumina Laboratory Services, Illumina
Classification: Likely benign for Hypomaturation-hypoplastic amelogenesis imperfecta with taurodontism. Last evaluated: 2018-01-12. Review status: criteria provided, single submitter. Criteria: ICSL Variant Classification Criteria 13 December 2019. Collection method: clinical testing. Allele origin: germline.
Comment: This variant was observed in the ICSL laboratory as part of a predisposition screen in an ostensibly healthy population. It had not been previously curated by ICSL or reported in the Human Gene Mutation Database (HGMD: prior to June 1st, 2018), and was therefore a candidate for classification through an automated scoring system. Utilizing variant allele frequency, disease prevalence and penetrance estimates, and inheritance mode, an automated score was calculated to assess if this variant is too frequent to cause the disease. Based on the score and internal cut-off values, a variant classified as likely benign is not then subjected to further curation. The score for this variant resulted in a classification of likely benign for this disease.

NM_005220.3(DLX3):c.-37C>G

Gene: DLX3 (distal-less homeobox 3; minus strand). Cytogenetic location: 17q21.33.
Variant type: single nucleotide variant.
Coding change: c.-37C>G on transcript NM_005220.3 (MANE Select); 37 bases upstream of the start codon, C replaced by G.
Molecular consequence: 5 prime UTR variant.
Genome position (GRCh38, 1-based): chr17:49,995,035, G>C on the plus strand (C>G on the coding strand, the complement: DLX3 is on the minus strand). VCF-style: chr17-49995035-G-C. GRCh37 (hg19) VCF-style: chr17-48072399-G-C.
Identifiers: ClinVar variation 324027 (VCV000324027.5), dbSNP rs375929276, ClinGen allele CA8641133.